The following is an entry in ClinVar:

ClinVar aggregate classification (germline): Uncertain significance (1 of 4 stars; one submission).

Conditions:
Tall stature-scoliosis-macrodactyly of the great toes syndrome. Also called: Epiphyseal chondrodysplasia, miura type. Identifiers: Orphanet 329191, MedGen C4014690, MONDO:0014401, OMIM 615923.
Acromesomelic dysplasia 1, Maroteaux type (AMD1). Also called: ACROMESOMELIC DYSPLASIA 1; ST. HELENA DYSPLASIA. Identifiers: Orphanet 40, MedGen C1864356, MONDO:0011275, OMIM 602875.

Submission:

Labcorp Genetics (formerly Invitae), Labcorp
Classification: Uncertain significance for Tall stature-scoliosis-macrodactyly of the great toes syndrome; Acromesomelic dysplasia 1, Maroteaux type. Last evaluated: 2026-01-24. Review status: criteria provided, single submitter. Criteria: Invitae Variant Classification Sherloc (09022015). Collection method: clinical testing. Allele origin: germline.
Comment: This sequence change replaces leucine, which is neutral and non-polar, with proline, which is neutral and non-polar, at codon 64 of the NPR2 protein (p.Leu64Pro). This variant is not present in population databases (gnomAD no frequency). This variant has not been reported in the literature in individuals affected with NPR2-related conditions. Invitae Evidence Modeling of protein sequence and biophysical properties (such as structural, functional, and spatial information, amino acid conservation, physicochemical variation, residue mobility, and thermodynamic stability) indicates that this missense variant is not expected to disrupt NPR2 protein function with a negative predictive value of 80%. In summary, the available evidence is currently insufficient to determine the role of this variant in disease. Therefore, it has been classified as a Variant of Uncertain Significance.

NM_003995.4(NPR2):c.191T>C (p.Leu64Pro)

Gene: NPR2 (natriuretic peptide receptor 2; plus strand). Cytogenetic location: 9p13.3.
Variant type: single nucleotide variant.
Coding change: c.191T>C on transcript NM_003995.4 (MANE Select); coding-DNA position 191, T replaced by C.
Protein change: p.Leu64Pro; replaces leucine 64 with proline.
Molecular consequence: missense variant.
Genome position (GRCh38, 1-based): chr9:35,792,599, T>C. VCF-style: chr9-35792599-T-C. GRCh37 (hg19) VCF-style: chr9-35792596-T-C.
Other names: c.191T>C, p.Leu64Pro (NM_001378923.1); short protein forms L64P.
Identifiers: ClinVar variation 4783483 (VCV004783483.1).